The following is an entry in ClinVar:

ClinVar aggregate classification (germline): Uncertain significance. Review status: criteria provided, multiple submitters, no conflicts (2 of 4 stars). 3 submissions from 3 submitters: Uncertain significance (3). Last evaluated 2026-02-02.

Conditions:
Tuberous sclerosis 2 (TSC2). Identifiers: Orphanet 805, MedGen C1860707, MONDO:0013199, OMIM 613254.
Hereditary cancer-predisposing syndrome. Also called: Hereditary neoplastic syndrome; Tumor predisposition; Neoplastic Syndromes, Hereditary; Hereditary Cancer Syndrome. Identifiers: Orphanet 140162, MedGen C0027672, MeSH D009386, MONDO:0015356.

Submissions (3):

Institute of Human Genetics, University of Leipzig Medical Center
Classification: Uncertain significance for Tuberous sclerosis 2. Last evaluated: 2026-02-02. Review status: criteria provided, single submitter. Criteria: ACMG Guidelines, 2015. Collection method: clinical testing. Allele origin: unknown. Inheritance: Autosomal dominant inheritance. Affected: yes.
Comment: Criteria applied: PM2,PP4_MOD,PP3

Labcorp Genetics (formerly Invitae), Labcorp
Classification: Uncertain significance for Tuberous sclerosis 2. Last evaluated: 2024-01-18. Review status: criteria provided, single submitter. Criteria: Invitae Variant Classification Sherloc (09022015). Collection method: clinical testing. Allele origin: germline.
Comment: This sequence change replaces glycine, which is neutral and non-polar, with arginine, which is basic and polar, at codon 150 of the TSC2 protein (p.Gly150Arg). This variant is not present in population databases (gnomAD no frequency). This variant has not been reported in the literature in individuals affected with TSC2-related conditions. ClinVar contains an entry for this variant (Variation ID: 2485512). Advanced modeling of protein sequence and biophysical properties (such as structural, functional, and spatial information, amino acid conservation, physicochemical variation, residue mobility, and thermodynamic stability) has been performed at Invitae for this missense variant, however the output from this modeling did not meet the statistical confidence thresholds required to predict the impact of this variant on TSC2 protein function. In summary, the available evidence is currently insufficient to determine the role of this variant in disease. Therefore, it has been classified as a Variant of Uncertain Significance.

Ambry Genetics
Classification: Uncertain significance for Hereditary cancer-predisposing syndrome. Last evaluated: 2023-03-06. Review status: criteria provided, single submitter. Criteria: Ambry Variant Classification Scheme 2023. Collection method: clinical testing. Allele origin: germline.

Literature cited by the submitters: PubMed 31785789 (cited by Ambry Genetics).

NM_000548.5(TSC2):c.448G>A (p.Gly150Arg)

Gene: TSC2 (TSC complex subunit 2; plus strand). Cytogenetic location: 16p13.3.
Variant type: single nucleotide variant.
Coding change: c.448G>A on transcript NM_000548.5 (MANE Select); coding-DNA position 448, G replaced by A.
Protein change: p.Gly150Arg; replaces glycine 150 with arginine.
Molecular consequence: missense variant. On other transcripts: 5 prime UTR variant (13), initiator codon variant (1), non-coding transcript variant (5), intron variant (6).
Genome position (GRCh38, 1-based): chr16:2,054,407, G>A. VCF-style: chr16-2054407-G-A. GRCh37 (hg19) VCF-style: chr16-2104408-G-A.
Other names: c.448G>A, p.Gly150Arg (NM_001077183.3, NM_001114382.3, NM_001363528.2 and 8 more transcripts); c.337G>A, p.Gly113Arg (NM_001318827.2, NM_001406670.1, NM_001406678.1); c.301G>A, p.Gly101Arg (NM_001318829.2, NM_001406675.1, NM_001406676.1 and 1 more transcripts); c.481G>A, p.Gly161Arg (NM_001318832.2); c.538G>A, p.Gly180Arg (NM_001406667.1, NM_001406668.1); c.391G>A, p.Gly131Arg (NM_001406677.1); c.-369G>A (NM_001406680.1, NM_001406683.1, NM_001406687.1); c.3G>A, p.Met1Ile (NM_001406681.1); and 6 more; short protein forms M1I, G131R, G150R, G161R, G180R, G101R, G113R.
Identifiers: ClinVar variation 2485512 (VCV002485512.7), dbSNP rs2151043819, ClinGen allele CA394308404.